The following is an entry in ClinVar:

NM_025114.4(CEP290):c.5092C>T (p.Gln1698Ter)

Gene: CEP290 (centrosomal protein 290; minus strand). Cytogenetic location: 12q21.32.
Variant type: single nucleotide variant.
Coding change: c.5092C>T on transcript NM_025114.4 (MANE Select); coding-DNA position 5092, C replaced by T.
Protein change: p.Gln1698Ter; replaces glutamine 1698 with a stop codon.
Molecular consequence: nonsense.
Genome position (GRCh38, 1-based): chr12:88,080,316, G>A on the plus strand (C>T on the coding strand, the complement: CEP290 is on the minus strand). VCF-style: chr12-88080316-G-A. GRCh37 (hg19) VCF-style: chr12-88474093-G-A.
Other names: short protein forms Q1698*.
Identifiers: ClinVar variation 2922063 (VCV002922063.4), dbSNP rs2499911513, ClinGen allele CA385991360.

ClinVar aggregate classification (germline): Pathogenic/Likely pathogenic. Review status: criteria provided, multiple submitters, no conflicts (2 of 4 stars). 2 submissions from 2 submitters: Pathogenic (1); Likely pathogenic (1). Last evaluated 2024-01-16.

Conditions:
CEP290-related disorder. Also called: CEP290-related condition; CEP290-related disorders. Identifiers: MedGen CN239314.
Joubert syndrome. Also called: Familial aplasia of the vermis; JOUBERT-BOLTSHAUSER SYNDROME. Identifiers: Orphanet 475, MedGen C5979921, MONDO:0018772.
Meckel-Gruber syndrome. Also called: DYSENCEPHALIA SPLANCHNOCYSTICA; Dysencephalia splachnocystica; GRUBER SYNDROME. Identifiers: Orphanet 564, MedGen C0265215, MONDO:0018921.
Nephronophthisis. Also called: Juvenile Nephronophthisis. Identifiers: Orphanet 655, MedGen C0687120, MONDO:0019005, HP:0000090.

Submissions (2):

Labcorp Genetics (formerly Invitae), Labcorp
Classification: Pathogenic for Joubert syndrome; Meckel-Gruber syndrome; Nephronophthisis. Last evaluated: 2024-01-16. Review status: criteria provided, single submitter. Criteria: Invitae Variant Classification Sherloc (09022015). Collection method: clinical testing. Allele origin: germline.
Comment: This sequence change creates a premature translational stop signal (p.Gln1698*) in the CEP290 gene. It is expected to result in an absent or disrupted protein product. Loss-of-function variants in CEP290 are known to be pathogenic (PMID: 16909394, 17345604, 20690115). This variant is not present in population databases (gnomAD no frequency). This variant has not been reported in the literature in individuals affected with CEP290-related conditions. For these reasons, this variant has been classified as Pathogenic.

Blueprint Genetics
Classification: Likely pathogenic for CEP290-related disorders. Last evaluated: 2022-12-13. Review status: criteria provided, single submitter. Criteria: ACMG Guidelines, 2015. Collection method: clinical testing. Allele origin: germline. Affected: yes. Observed: 2 variant alleles.

Literature cited by the submitters: PubMed 16909394 (cited by Labcorp Genetics (formerly Invitae), Labcorp); PubMed 17345604 (cited by Labcorp Genetics (formerly Invitae), Labcorp); PubMed 20690115 (cited by Labcorp Genetics (formerly Invitae), Labcorp).